The following is an entry in ClinVar:

ClinVar aggregate classification (germline): Uncertain significance (1 of 4 stars; one submission).

Conditions:
Cardiovascular phenotype. Identifiers: MedGen CN230736.

gnomAD v4.1: 1 of 1,612,606 alleles (0.000062%); highest among the groups gnomAD compares: Non-Finnish European, 0.000085%; no homozygotes.

Submission:

Ambry Genetics
Classification: Uncertain significance for Cardiovascular phenotype. Last evaluated: 2026-08-05. Review status: criteria provided, single submitter. Criteria: Ambry Variant Classification Scheme 2023. Collection method: clinical testing. Allele origin: germline.
Comment: The c.781G>T (p.V261L) alteration is located in exon 3 (coding exon 3) of the LOX gene. This alteration results from a G to T substitution at nucleotide position 781, causing the valine (V) at amino acid position 261 to be replaced by a leucine (L). Based on data from gnomAD, the T allele has an overall frequency of <0.001% (1/250436) total alleles studied. The highest observed frequency was 0.001% (1/113442) of European (non-Finnish) alleles. Based on insufficient or conflicting evidence, the clinical significance of this alteration remains unclear.

NM_002317.7(LOX):c.781G>T (p.Val261Leu)

Genes: LOX (lysyl oxidase; minus strand), SRFBP1 (serum response factor binding protein 1; plus strand). Cytogenetic location: 5q23.1.
Variant type: single nucleotide variant.
Coding change: c.781G>T on transcript NM_002317.7 (MANE Select); coding-DNA position 781, G replaced by T.
Protein change: p.Val261Leu; replaces valine 261 with leucine.
Molecular consequence: missense variant. On other transcripts: 5 prime UTR variant (1).
Genome position (GRCh38, 1-based): chr5:122,075,501, C>A on the plus strand (G>T on the coding strand, the complement: LOX is on the minus strand). VCF-style: chr5-122075501-C-A. GRCh37 (hg19) VCF-style: chr5-121411196-C-A.
Other names: c.91G>T, p.Val31Leu (NM_001178102.2); c.-111G>T (NM_001317073.1); short protein forms V31L, V261L.
Identifiers: ClinVar variation 5023635 (VCV005023635.1).
Genomic context (GRCh38, chr5:122,075,501, plus strand): 5'-GGCTGGGTAAGAAATCTGATGTCCCTTGGTTTTTCACTCTTTGGGGAAATCTGAGCAGCA[C>A]CCTGTGATCATAATCTCTGACATCTGCCCTGTATGCTGTACTGTGATTTTGAAAAAAGAA-3'
Protein context (NP_002308.2, residues 251-271): RADVRDYDHR[Val261Leu]LLRFPQRVKN